The following is an entry in ClinVar:

NM_021954.4(GJA3):c.340C>G (p.Gln114Glu)

Gene: GJA3 (gap junction protein alpha 3; minus strand). Cytogenetic location: 13q12.11.
Variant type: single nucleotide variant.
Coding change: c.340C>G on transcript NM_021954.4 (MANE Select); coding-DNA position 340, C replaced by G.
Protein change: p.Gln114Glu; replaces glutamine 114 with glutamic acid.
Molecular consequence: missense variant.
Genome position (GRCh38, 1-based): chr13:20,142,949, G>C on the plus strand (C>G on the coding strand, the complement: GJA3 is on the minus strand). VCF-style: chr13-20142949-G-C. GRCh37 (hg19) VCF-style: chr13-20717088-G-C.
Other names: short protein forms Q114E.
Identifiers: ClinVar variation 4779955 (VCV004779955.1).

ClinVar aggregate classification (germline): Uncertain significance (1 of 4 stars; one submission).

Conditions:
Cataract 14 multiple types. Also called: CATARACT 14, ZONULAR PULVERULENT; CATARACT 14, NUCLEAR PULVERULENT; CATARACT 14, NUCLEAR PULVERULENT AND POSTERIOR POLAR; CATARACT 14, NUCLEAR CORALLIFORM; CATARACT 14, EMBRYONAL NUCLEAR; CATARACT 14, COPPOCK-LIKE. Identifiers: Orphanet 91492, MedGen C1866078, MONDO:0011162, OMIM 601885.

gnomAD v4.1: 36 of 1,577,290 alleles (0.0023%); highest among the groups gnomAD compares: South Asian, 0.008%; no homozygotes.

Submission:

Labcorp Genetics (formerly Invitae), Labcorp
Classification: Uncertain significance for Cataract 14 multiple types. Last evaluated: 2025-12-23. Review status: criteria provided, single submitter. Criteria: Invitae Variant Classification Sherloc (09022015). Collection method: clinical testing. Allele origin: germline.
Comment: This sequence change replaces glutamine, which is neutral and polar, with glutamic acid, which is acidic and polar, at codon 114 of the GJA3 protein (p.Gln114Glu). This variant is present in population databases (rs758961387, gnomAD 0.008%). This variant has not been reported in the literature in individuals affected with GJA3-related conditions. Invitae Evidence Modeling of protein sequence and biophysical properties (such as structural, functional, and spatial information, amino acid conservation, physicochemical variation, residue mobility, and thermodynamic stability) indicates that this missense variant is not expected to disrupt GJA3 protein function with a negative predictive value of 95%. In summary, the available evidence is currently insufficient to determine the role of this variant in disease. Therefore, it has been classified as a Variant of Uncertain Significance.